The following is an entry in ClinVar:

NM_015506.3(MMACHC):c.241C>T (p.Gln81Ter)

Gene: MMACHC (metabolism of cobalamin associated C; plus strand). Cytogenetic location: 1p34.1.
Variant type: single nucleotide variant.
Coding change: c.241C>T on transcript NM_015506.3 (MANE Select); coding-DNA position 241, C replaced by T.
Protein change: p.Gln81Ter; replaces glutamine 81 with a stop codon.
Molecular consequence: nonsense.
Genome position (GRCh38, 1-based): chr1:45,507,515, C>T. VCF-style: chr1-45507515-C-T. GRCh37 (hg19) VCF-style: chr1-45973187-C-T.
Other names: c.70C>T, p.Gln24Ter (NM_001330540.2); short protein forms Q81*, Q24*.
Identifiers: ClinVar variation 4815862 (VCV004815862.2), dbSNP rs373246922.
Genomic context (GRCh38, chr1:45,507,515, plus strand): 5'-CGGGCCCTCAAGCCCTTCTTGCAGAGCTGCCACCTCCGAATGCTGACTGACCCAGTGGAC[C>T]AGTGTGTGGCCTACCATCTGGGCCGTGTTAGAGAGGTGAGGAAGGCTCAGTTTTCCCCCA-3'

ClinVar aggregate classification (germline): Pathogenic/Likely pathogenic. Review status: criteria provided, multiple submitters, no conflicts (2 of 4 stars). 2 submissions from 2 submitters: Pathogenic (1); Likely pathogenic (1). Last evaluated 2025-03-09.

Conditions:
Cobalamin C disease. Also called: Methylmalonic aciduria and homocystinuria, Vitamin B12-responsive; Vitamin B12 metabolic defect with combined deficiency of methylmalonyl-CoA mutase and homocysteine:methyltetrahydrofolate methyltransferase; Methylmalonic aciduria with homocystinuria cblC type; Cobalamin-C methylmalonic acidemia and homocystinuria; Methylmalonic acidemia and homocystinuria cblC type; methylmalonic aciduria and homocystinuria type cblC. Identifiers: Orphanet 26, Orphanet 79282, MedGen C1848561, MONDO:0010184, OMIM 277400.

Submissions (2):

Natera, Inc.
Classification: Likely pathogenic for Methylmalonic aciduria and homocystinuria cblC type. Last evaluated: 2025-03-09. Review status: criteria provided, single submitter. Criteria: Natera Variant Classification Schema (03/2026). Collection method: clinical testing. Allele origin: germline.
Comment: The c.241C>T variant in MMACHC is a nonsense variant predicted to introduce a stop codon at amino acid 81. This variant is expected to result in nonsense mediated decay, truncation, or a dysfunctional protein product. This variant is rare in the general population with a frequency below the threshold expected for the associated phenotype(s). Given the available evidence, this variant is classified as Likely Pathogenic.

Myriad Genetics, Inc.
Classification: Pathogenic for Cobalamin C disease. Last evaluated: 2024-05-08. Review status: criteria provided, single submitter. Criteria: Myriad Autosomal Dominant, Autosomal Recessive and X-Linked Classification Criteria (2023). Collection method: clinical testing. Allele origin: unknown.
Comment: NM_015506.2(MMACHC):c.241C>T(Q81*) is expected to be pathogenic in the context of methylmalonic aciduria and homocystinuria, cblC type. This variant is predicted to lead to an abnormal or absent protein product due to the creation of a premature termination codon in MMACHC, a gene where loss-of-function variants are known to be pathogenic. Please note: this variant was assessed in the context of healthy population screening.